The following is an entry in ClinVar:

ClinVar aggregate classification (germline): Uncertain significance (1 of 4 stars; one submission).

Conditions:
Severe combined immunodeficiency due to DNA-PKcs deficiency. Also called: Immunodeficiency 26 with or without neurologic abnormalities; IMMUNODEFICIENCY 26 WITH NEUROLOGIC ABNORMALITIES. Identifiers: Orphanet 317425, MedGen C4014833, MONDO:0014423, OMIM 615966.

Submission:

Labcorp Genetics (formerly Invitae), Labcorp
Classification: Uncertain significance for Severe combined immunodeficiency due to DNA-PKcs deficiency. Last evaluated: 2019-08-18. Review status: criteria provided, single submitter. Criteria: Invitae Variant Classification Sherloc (09022015). Collection method: clinical testing. Allele origin: germline.
Comment: This variant is not present in population databases (ExAC no frequency). In summary, the available evidence is currently insufficient to determine the role of this variant in disease. Therefore, it has been classified as a Variant of Uncertain Significance. Algorithms developed to predict the effect of missense changes on protein structure and function are either unavailable or do not agree on the potential impact of this missense change (SIFT: "Tolerated"; PolyPhen-2: "Possibly Damaging"; Align-GVGD: "Class C0"). This variant has not been reported in the literature in individuals with PRKDC-related conditions. This sequence change replaces alanine with valine at codon 755 of the PRKDC protein (p.Ala755Val). The alanine residue is highly conserved and there is a small physicochemical difference between alanine and valine.

NM_006904.7(PRKDC):c.2264C>T (p.Ala755Val)

Gene: PRKDC (protein kinase, DNA-activated, catalytic subunit; minus strand). Cytogenetic location: 8q11.21.
Variant type: single nucleotide variant.
Coding change: c.2264C>T on transcript NM_006904.7 (MANE Select); coding-DNA position 2264, C replaced by T.
Protein change: p.Ala755Val; replaces alanine 755 with valine.
Molecular consequence: missense variant.
Genome position (GRCh38, 1-based): chr8:47,927,349, G>A on the plus strand (C>T on the coding strand, the complement: PRKDC is on the minus strand). VCF-style: chr8-47927349-G-A. GRCh37 (hg19) VCF-style: chr8-48839909-G-A.
Other names: c.2264C>T, p.Ala755Val (NM_001081640.2); short protein forms A755V.
Identifiers: ClinVar variation 939014 (VCV000939014.8), dbSNP rs2090171409, ClinGen allele CA371162210.